The following is an entry in ClinVar:

ClinVar aggregate classification (germline): Likely benign (1 of 4 stars; one submission).

Submission:

CeGaT Center for Human Genetics Tuebingen
Classification: Likely benign. Last evaluated: 2023-08-01. Review status: criteria provided, single submitter. Criteria: CeGaT Center For Human Genetics Tuebingen Variant Classification Criteria Version 2. Collection method: clinical testing. Allele origin: germline. Affected: yes. Observed: 2 variant alleles.
Comment: MUC3A: BP4, BP7

NM_005960.2(MUC3A):c.7134A>G (p.Ser2378=)

Gene: MUC3A (mucin 3A, cell surface associated; plus strand). Cytogenetic location: 7q22.1.
Variant type: single nucleotide variant.
Coding change: c.7134A>G on transcript NM_005960.2 (MANE Select); coding-DNA position 7134, A replaced by G.
Protein change: p.Ser2378=; no amino-acid change (serine 2378 retained).
Molecular consequence: synonymous variant.
Genome position (GRCh38, 1-based): chr7:100,958,913, A>G. VCF-style: chr7-100958913-A-G. GRCh37 (hg19) VCF-style: chr7-100551042-A-G.
Identifiers: ClinVar variation 2657786 (VCV002657786.24), dbSNP rs371082444, ClinGen allele CA163307698.